The following is an entry in ClinVar:

ClinVar aggregate classification (germline): Uncertain significance (1 of 4 stars; one submission).

Conditions:
Charcot-Marie-Tooth disease type 4. Also called: Charcot-Marie-Tooth, Type 4; Charcot-Marie-Tooth disease, type IV. Identifiers: Orphanet 64749, MedGen C4082197, MONDO:0018995.

Submission:

Labcorp Genetics (formerly Invitae), Labcorp
Classification: Uncertain significance for Charcot-Marie-Tooth disease type 4. Last evaluated: 2025-11-10. Review status: criteria provided, single submitter. Criteria: Invitae Variant Classification Sherloc (09022015). Collection method: clinical testing. Allele origin: germline.
Comment: This variant, c.1052_1053insCAGCCGCTCCCACACCAGCGAGGGCACCCGCAGCCGCTCCCACACCAGCGAGGGCACCCG, results in the insertion of 20 amino acid(s) of the NDRG1 protein (p.Thr350_Gly369dup), but otherwise preserves the integrity of the reading frame. This variant is not present in population databases (gnomAD no frequency). This variant has not been reported in the literature in individuals affected with NDRG1-related conditions. In summary, the available evidence is currently insufficient to determine the role of this variant in disease. Therefore, it has been classified as a Variant of Uncertain Significance.

NM_006096.4(NDRG1):c.1023CAGCCGCTCCCACACCAGCGAGGGCACCCG[3] (p.Gly369_Ala370insThrArgSerArgSerHisThrSerGluGlyThrArgSerArgSerHisThrSerGluGly)

Gene: NDRG1 (N-myc downstream regulated 1; minus strand). Cytogenetic location: 8q24.22.
Variant type: Microsatellite.
Coding change: c.1023CAGCCGCTCCCACACCAGCGAGGGCACCCG[3] on transcript NM_006096.4 (MANE Select); three copies in a row of the 30-base unit CAGCCGCTCCCACACCAGCGAGGGCACCCG starting at c.1023.
Protein change: p.Gly369_Ala370insThrArgSerArgSerHisThrSerGluGlyThrArgSerArgSerHisThrSerGluGly.
Molecular consequence: inframe insertion.
Genome position: GRCh38, VCF-style position (the base before the change): chr8:133,239,010. GRCh37 (hg19), VCF-style position (the base before the change): chr8:134,251,253.
Other names: c.1023CAGCCGCTCCCACACCAGCGAGGGCACCCG[3], p.Gly369_Ala370insThrArgSerArgSerHisThrSerGluGlyThrArgSerArgSerHisThrSerGluGly (NM_001135242.2, NM_001374845.1, NM_001374846.1); c.825CAGCCGCTCCCACACCAGCGAGGGCACCCG[3], p.Gly303_Ala304insThrArgSerArgSerHisThrSerGluGlyThrArgSerArgSerHisThrSerGluGly (NM_001258432.2, NM_001374847.1); c.780CAGCCGCTCCCACACCAGCGAGGGCACCCG[3], p.Gly288_Ala289insThrArgSerArgSerHisThrSerGluGlyThrArgSerArgSerHisThrSerGluGly (NM_001258433.2); c.1074CAGCCGCTCCCACACCAGCGAGGGCACCCG[3], p.Gly386_Ala387insThrArgSerArgSerHisThrSerGluGlyThrArgSerArgSerHisThrSerGluGly (NM_001374844.1).
Identifiers: ClinVar variation 1942744 (VCV001942744.5), dbSNP rs756831222, ClinGen allele CA2580617232.